The following is an entry in ClinVar:

NM_020987.5(ANK3):c.5944G>A (p.Gly1982Arg)

Gene: ANK3 (ankyrin 3; minus strand). Cytogenetic location: 10q21.2.
Variant type: single nucleotide variant.
Coding change: c.5944G>A on transcript NM_020987.5 (MANE Select); coding-DNA position 5944, G replaced by A.
Protein change: p.Gly1982Arg; replaces glycine 1982 with arginine.
Molecular consequence: missense variant. On other transcripts: intron variant (4).
Genome position (GRCh38, 1-based): chr10:60,074,937, C>T on the plus strand (G>A on the coding strand, the complement: ANK3 is on the minus strand). VCF-style: chr10-60074937-C-T. GRCh37 (hg19) VCF-style: chr10-61834695-C-T.
Other names: c.4387+5600G>A (NM_001204403.2); c.4408+5600G>A (NM_001204404.2); c.4405+5600G>A (NM_001320874.2); c.1807+5600G>A (NM_001149.4); short protein forms G1982R.
Identifiers: ClinVar variation 4875416 (VCV004875416.2).
Genomic context (GRCh38, chr10:60,074,937, plus strand): 5'-GTCTGGCTTCCCGGATTTCTTCCGAACTAAATTCTATCCAGTCATCTTCAGGAGAGTGTC[C>T]TTTGTCACTCTTTGGTGATTTGGGTGATCCTTTATTATCTACACATACATCCTTTTTAAG-3'
Protein context (NP_066267.2, residues 1972-1992): GSPKSPKSDK[Gly1982Arg]HSPEDDWIEF

ClinVar aggregate classification (germline): Uncertain significance (1 of 4 stars; one submission).

gnomAD v4.1: 1 of 1,613,988 alleles (0.000062%); highest among the groups gnomAD compares: Admixed American, 0.0017%; no homozygotes.

Submission:

CeGaT Center for Human Genetics Tuebingen
Classification: Uncertain significance. Last evaluated: 2026-06-01. Review status: criteria provided, single submitter. Criteria: CeGaT Center For Human Genetics Tuebingen Variant Classification Criteria Version 2. Collection method: clinical testing. Allele origin: germline. Affected: yes. Observed: 1 variant allele.
Comment: ANK3: PM2